The following is an entry in ClinVar:

NM_032730.5(RTN4IP1):c.1087C>T (p.Arg363Trp)

Gene: RTN4IP1 (reticulon 4 interacting protein 1; minus strand). Cytogenetic location: 6q21.
Variant type: single nucleotide variant.
Coding change: c.1087C>T on transcript NM_032730.5 (MANE Select); coding-DNA position 1087, C replaced by T.
Protein change: p.Arg363Trp; replaces arginine 363 with tryptophan.
Molecular consequence: missense variant.
Genome position (GRCh38, 1-based): chr6:106,572,100, G>A on the plus strand (C>T on the coding strand, the complement: RTN4IP1 is on the minus strand). VCF-style: chr6-106572100-G-A. GRCh37 (hg19) VCF-style: chr6-107019975-G-A.
Other names: c.787C>T, p.Arg263Trp (NM_001318746.1); short protein forms R363W, R263W.
Identifiers: ClinVar variation 1431345 (VCV001431345.3), dbSNP rs962250841, ClinGen allele CA144995741.

ClinVar aggregate classification (germline): Uncertain significance (1 of 4 stars; one submission).

Allele frequency attached by ClinVar (database versions not stated): gnomAD 0.00001; gnomAD exomes 0.00001 and 0.00002.
gnomAD v4.1: 13 of 1,612,338 alleles (0.00081%); highest among the groups gnomAD compares: South Asian, 0.0055%; no homozygotes.

Submission:

Labcorp Genetics (formerly Invitae), Labcorp
Classification: Uncertain significance. Last evaluated: 2022-09-08. Review status: criteria provided, single submitter. Criteria: Invitae Variant Classification Sherloc (09022015). Collection method: clinical testing. Allele origin: germline.
Comment: This sequence change replaces arginine, which is basic and polar, with tryptophan, which is neutral and slightly polar, at codon 363 of the RTN4IP1 protein (p.Arg363Trp). This variant is present in population databases (no rsID available, gnomAD 0.01%). This variant has not been reported in the literature in individuals affected with RTN4IP1-related conditions. ClinVar contains an entry for this variant (Variation ID: 1431345). Advanced modeling of protein sequence and biophysical properties (such as structural, functional, and spatial information, amino acid conservation, physicochemical variation, residue mobility, and thermodynamic stability) performed at Invitae indicates that this missense variant is expected to disrupt RTN4IP1 protein function. In summary, the available evidence is currently insufficient to determine the role of this variant in disease. Therefore, it has been classified as a Variant of Uncertain Significance.